The following is an entry in ClinVar:

ClinVar aggregate classification (germline): Conflicting classifications of pathogenicity. Review status: criteria provided, conflicting classifications (1 of 4 stars). 2 submissions from 2 submitters: Uncertain significance (1); Likely benign (1). Last evaluated 2025-12-08.

gnomAD v4.1: 78 of 1,192,051 alleles (0.0065%); highest among the groups gnomAD compares: Admixed American, 0.011%; no homozygotes.

Submissions (2):

Labcorp Genetics (formerly Invitae), Labcorp
Classification: Uncertain significance. Last evaluated: 2025-12-08. Review status: criteria provided, single submitter. Criteria: Invitae Variant Classification Sherloc (09022015). Collection method: clinical testing. Allele origin: germline.
Comment: This sequence change falls in intron 7 of the ALAS2 gene. It does not directly change the encoded amino acid sequence of the ALAS2 protein. This variant is present in population databases (rs367874738, gnomAD 0.007%). This variant has not been reported in the literature in individuals affected with ALAS2-related conditions. ClinVar contains an entry for this variant (Variation ID: 3625462). Algorithms developed to predict the effect of sequence changes on RNA splicing suggest that this variant may create or strengthen a splice site. In summary, the available evidence is currently insufficient to determine the role of this variant in disease. Therefore, it has been classified as a Variant of Uncertain Significance.

Blueprint Genetics
Classification: Likely benign. Last evaluated: 2024-10-03. Review status: criteria provided, single submitter. Criteria: ACMG Guidelines, 2015. Collection method: clinical testing. Allele origin: germline.

NM_000032.5(ALAS2):c.1003+19G>A

Gene: ALAS2 (5'-aminolevulinate synthase 2; minus strand). Cytogenetic location: Xp11.21.
Variant type: single nucleotide variant.
Coding change: c.1003+19G>A on transcript NM_000032.5 (MANE Select); 19 bases into the intron after coding-DNA position 1003, G replaced by A.
Molecular consequence: intron variant.
Genome position (GRCh38, 1-based): chrX:55,017,467, C>T on the plus strand (G>A on the coding strand, the complement: ALAS2 is on the minus strand). VCF-style: chrX-55017467-C-T. GRCh37 (hg19) VCF-style: chrX-55043900-C-T.
Other names: c.892+19G>A (NM_001037967.4); c.964+19G>A (NM_001037968.4).
Identifiers: ClinVar variation 3625462 (VCV003625462.3).